The following is an entry in ClinVar:

NM_000070.3(CAPN3):c.2373C>T (p.Gly791=)

Gene: CAPN3 (calpain 3; plus strand). Cytogenetic location: 15q15.1.
Variant type: single nucleotide variant.
Coding change: c.2373C>T on transcript NM_000070.3 (MANE Select); coding-DNA position 2373, C replaced by T.
Protein change: p.Gly791=; no amino-acid change (glycine 791 retained).
Molecular consequence: synonymous variant.
Genome position (GRCh38, 1-based): chr15:42,410,993, C>T. VCF-style: chr15-42410993-C-T. GRCh37 (hg19) VCF-style: chr15-42703191-C-T.
Other names: c.2355C>T, p.Gly785= (NM_024344.2); c.2097C>T, p.Gly699= (NM_173087.2); c.837C>T, p.Gly279= (NM_173088.2); c.378C>T, p.Gly126= (NM_173089.2, NM_173090.2).
Identifiers: ClinVar variation 3902238 (VCV003902238.1).

ClinVar aggregate classification (germline): Uncertain significance (1 of 4 stars; one submission).

Submission:

Women's Health and Genetics/Laboratory Corporation of America, LabCorp
Classification: Uncertain significance. Last evaluated: 2025-05-13. Review status: criteria provided, single submitter. Criteria: LabCorp Variant Classification Summary - May 2015. Collection method: clinical testing. Allele origin: germline.
Comment: Variant summary: CAPN3 c.2373C>T alters a conserved nucleotide resulting in a synonymous change. Several computational tools predict a significant impact on normal splicing: Three predict the variant creates a cryptic 5' donor site. One predicts the variant weakens a canonical 5' donor site. However, these predictions have yet to be confirmed by functional studies. The variant was absent in 251300 control chromosomes (gnomAD). c.2373C>T has been observed in a homozygous individual affected with Limb-Girdle Muscular Dystrophy, Autosomal Recessive (Mojbafan_2018). These data indicate that the variant may be associated with disease. To our knowledge, no experimental evidence demonstrating an impact on protein function has been reported. The following publication has been ascertained in the context of this evaluation (PMID: 30056071). No submitters have cited clinical-significance assessments for this variant to ClinVar. Based on the evidence outlined above, the variant was classified as VUS-possibly pathogenic.

Literature cited by the submitters: PubMed 30056071.